The following is an entry in ClinVar:

NM_000891.3(KCNJ2):c.913A>G (p.Thr305Ala)

Gene: KCNJ2 (potassium inwardly rectifying channel subfamily J member 2; plus strand). Cytogenetic location: 17q24.3.
Variant type: single nucleotide variant.
Coding change: c.913A>G on transcript NM_000891.3 (MANE Select); coding-DNA position 913, A replaced by G.
Protein change: p.Thr305Ala; replaces threonine 305 with alanine.
Molecular consequence: missense variant.
Genome position (GRCh38, 1-based): chr17:70,175,952, A>G. VCF-style: chr17-70175952-A-G. GRCh37 (hg19) VCF-style: chr17-68172093-A-G.
Other names: c.913A>G (LRG_328t1); short protein forms T305A.
Identifiers: ClinVar variation 67591 (VCV000067591.11), dbSNP rs199473387, ClinGen allele CA145022.

ClinVar aggregate classification (germline): Pathogenic. Review status: criteria provided, single submitter (1 of 4 stars). 3 submissions from 3 submitters: Pathogenic (1). 2 of the submissions do not count toward it. Last evaluated 2025-09-02.

Conditions:
Cardiac arrhythmia. Also called: Cardiac rhythm disease; Arrhythmia. Identifiers: MedGen C0003811, MONDO:0007263, HP:0011675.
Andersen Tawil syndrome (LQT7). Also called: LONG QT SYNDROME 7; PERIODIC PARALYSIS, POTASSIUM-SENSITIVE CARDIODYSRHYTHMIC TYPE; Andersen Syndrome; Potassium-sensitive periodic paralysis, ventricular ectopy, and dysmorphic features; ANDERSEN CARDIODYSRHYTHMIC PERIODIC PARALYSIS. Identifiers: Orphanet 37553, MedGen C1563715, MONDO:0008222, OMIM 170390.
Short QT syndrome type 3. Identifiers: Orphanet 51083, MedGen C1865018, MONDO:0012314, OMIM 609622.

Submissions (3):

Labcorp Genetics (formerly Invitae), Labcorp
Classification: Pathogenic for Short QT syndrome type 3; Andersen Tawil syndrome. Last evaluated: 2025-09-02. Review status: criteria provided, single submitter. Criteria: Invitae Variant Classification Sherloc (09022015). Collection method: clinical testing. Allele origin: germline.
Comment: This sequence change replaces threonine, which is neutral and polar, with alanine, which is neutral and non-polar, at codon 305 of the KCNJ2 protein (p.Thr305Ala). This variant is not present in population databases (gnomAD no frequency). This missense change has been observed in individuals with catecholaminergic polymorphic ventricular tachycardia (CPVT) and Andersen-Tawil syndrome (PMID: 17341397, 27145478). ClinVar contains an entry for this variant (Variation ID: 67591). Invitae Evidence Modeling of protein sequence and biophysical properties (such as structural, functional, and spatial information, amino acid conservation, physicochemical variation, residue mobility, and thermodynamic stability) indicates that this missense variant is expected to disrupt KCNJ2 protein function with a positive predictive value of 95%. Experimental studies have shown that this missense change affects KCNJ2 function (PMID: 17341397). This variant disrupts the p.Thr305 amino acid residue in KCNJ2. Other variant(s) that disrupt this residue have been observed in individuals with KCNJ2-related conditions (PMID: 17324964, 22589293, 24383070), which suggests that this may be a clinically significant amino acid residue. For these reasons, this variant has been classified as Pathogenic.

Clinical Molecular Genetics Laboratory, Johns Hopkins All Children's Hospital
Classification: Pathogenic for Andersen Tawil syndrome. Last evaluated: 2015-08-28. Review status: no assertion criteria provided. Collection method: clinical testing. Allele origin: germline. Affected: yes. Not counted in ClinVar's aggregate classification.

Cardiovascular Biomedical Research Unit, Royal Brompton & Harefield NHS Foundation Trust
No classification provided. Condition: Cardiac arrhythmia. Review status: no classification provided. Collection method: literature only. Allele origin: germline. Not counted in ClinVar's aggregate classification.
Comment: This variant has been reported as associated with Arrhythmia in the following publications (PMID:17341397). This is a literature report, and does not necessarily reflect the clinical interpretation of the Imperial College / Royal Brompton Cardiovascular Genetics laboratory.

Literature cited by the submitters: PubMed 17341397 (cited by Labcorp Genetics (formerly Invitae), Labcorp and Cardiovascular Biomedical Research Unit, Royal Brompton & Harefield NHS Foundation Trust); PubMed 27145478 (cited by Labcorp Genetics (formerly Invitae), Labcorp); PubMed 17324964 (cited by Labcorp Genetics (formerly Invitae), Labcorp); PubMed 22589293 (cited by Labcorp Genetics (formerly Invitae), Labcorp); PubMed 24383070 (cited by Labcorp Genetics (formerly Invitae), Labcorp); PubMed 22581653 (cited by Cardiovascular Biomedical Research Unit, Royal Brompton & Harefield NHS Foundation Trust).